The following is an entry in ClinVar:

ClinVar aggregate classification (germline): Uncertain significance (1 of 4 stars; one submission).

Allele frequency attached by ClinVar (database versions not stated): gnomAD 0.00001.
gnomAD v4.1: 2 of 1,614,056 alleles (0.00012%); highest among the groups gnomAD compares: African/African-American, 0.0027%; no homozygotes.

Submission:

Ambry Genetics
Classification: Uncertain significance. Last evaluated: 2022-04-10. Review status: criteria provided, single submitter. Criteria: Ambry Variant Classification Scheme 2023. Collection method: clinical testing. Allele origin: germline.
Comment: The p.G16S variant (also known as c.46G>A), located in coding exon 1 of the BUB3 gene, results from a G to A substitution at nucleotide position 46. The glycine at codon 16 is replaced by serine, an amino acid with similar properties. This amino acid position is conserved. In addition, this alteration is predicted to be tolerated by in silico analysis. Since supporting evidence is limited at this time, the clinical significance of this alteration remains unclear.

NM_004725.4(BUB3):c.46G>A (p.Gly16Ser)

Gene: BUB3 (BUB3 mitotic checkpoint protein; plus strand). Cytogenetic location: 10q26.13.
Variant type: single nucleotide variant.
Coding change: c.46G>A on transcript NM_004725.4 (MANE Select); coding-DNA position 46, G replaced by A.
Protein change: p.Gly16Ser; replaces glycine 16 with serine.
Molecular consequence: missense variant.
Genome position (GRCh38, 1-based): chr10:123,154,963, G>A. VCF-style: chr10-123154963-G-A. GRCh37 (hg19) VCF-style: chr10-124914479-G-A.
Other names: c.46G>A, p.Gly16Ser (NM_001007793.3); short protein forms G16S.
Identifiers: ClinVar variation 1742541 (VCV001742541.2), dbSNP rs1844328867, ClinGen allele CA378624828.